The following is an entry in ClinVar:

NM_006904.7(PRKDC):c.4486G>A (p.Glu1496Lys)

Gene: PRKDC (protein kinase, DNA-activated, catalytic subunit; minus strand). Cytogenetic location: 8q11.21.
Variant type: single nucleotide variant.
Coding change: c.4486G>A on transcript NM_006904.7 (MANE Select); coding-DNA position 4486, G replaced by A.
Protein change: p.Glu1496Lys; replaces glutamic acid 1496 with lysine.
Molecular consequence: missense variant.
Genome position (GRCh38, 1-based): chr8:47,887,633, C>T on the plus strand (G>A on the coding strand, the complement: PRKDC is on the minus strand). VCF-style: chr8-47887633-C-T. GRCh37 (hg19) VCF-style: chr8-48800194-C-T.
Other names: c.4486G>A, p.Glu1496Lys (NM_001081640.2); short protein forms E1496K.
Identifiers: ClinVar variation 1041490 (VCV001041490.6), dbSNP rs375658369, ClinGen allele CA176151238.

ClinVar aggregate classification (germline): Uncertain significance (1 of 4 stars; one submission).

Conditions:
Severe combined immunodeficiency due to DNA-PKcs deficiency. Also called: IMMUNODEFICIENCY 26 WITH NEUROLOGIC ABNORMALITIES; Immunodeficiency 26 with or without neurologic abnormalities. Identifiers: Orphanet 317425, MedGen C4014833, MONDO:0014423, OMIM 615966.

Allele frequency attached by ClinVar (database versions not stated): gnomAD exomes below 0.00001; TOPMed below 0.00001; ESP Exome Variant Server 0.00008.
gnomAD v4.1: 2 of 1,607,672 alleles (0.00012%); highest among the groups gnomAD compares: Non-Finnish European, 0.00017%; no homozygotes.

Submission:

Labcorp Genetics (formerly Invitae), Labcorp
Classification: Uncertain significance for Severe combined immunodeficiency due to DNA-PKcs deficiency. Last evaluated: 2022-08-01. Review status: criteria provided, single submitter. Criteria: Invitae Variant Classification Sherloc (09022015). Collection method: clinical testing. Allele origin: germline.
Comment: In summary, the available evidence is currently insufficient to determine the role of this variant in disease. Therefore, it has been classified as a Variant of Uncertain Significance. ClinVar contains an entry for this variant (Variation ID: 1041490). This variant has not been reported in the literature in individuals affected with PRKDC-related conditions. The frequency data for this variant in the population databases is considered unreliable, as metrics indicate poor data quality at this position in the gnomAD database. This sequence change replaces glutamic acid, which is acidic and polar, with lysine, which is basic and polar, at codon 1496 of the PRKDC protein (p.Glu1496Lys).